The following is an entry in ClinVar:

ClinVar aggregate classification (germline): Benign/Likely benign. Review status: criteria provided, multiple submitters, no conflicts (2 of 4 stars). 2 submissions from 2 submitters: Benign (1); Likely benign (1). Last evaluated 2026-06-05.

Conditions:
Hereditary cancer-predisposing syndrome. Also called: Neoplastic Syndromes, Hereditary; Tumor predisposition; Hereditary Cancer Syndrome; Hereditary neoplastic syndrome. Identifiers: Orphanet 140162, MedGen C0027672, MeSH D009386, MONDO:0015356.
Oligodontia-cancer predisposition syndrome. Also called: TOOTH AGENESIS-COLORECTAL CANCER SYNDROME. Identifiers: Orphanet 300576, MedGen C1837750, MONDO:0012075, OMIM 608615. Disease mechanism: loss of function.

Allele frequency attached by ClinVar (database versions not stated): TOPMed below 0.00001.

Submissions (2):

Ambry Genetics
Classification: Likely benign for Hereditary cancer-predisposing syndrome. Last evaluated: 2026-06-05. Review status: criteria provided, single submitter. Criteria: Ambry Variant Classification Scheme 2023. Collection method: clinical testing. Allele origin: germline.

Myriad Genetics, Inc.
Classification: Benign for Oligodontia-cancer predisposition syndrome. Last evaluated: 2024-06-26. Review status: criteria provided, single submitter. Criteria: Myriad Autosomal Dominant, Autosomal Recessive and X-Linked Classification Criteria (2023). Collection method: clinical testing. Allele origin: unknown.
Comment: This variant is considered benign. This variant is a silent/synonymous amino acid change and it is not expected to impact splicing.

NM_004655.4(AXIN2):c.315G>A (p.Val105=)

Gene: AXIN2 (axin 2; minus strand). Cytogenetic location: 17q24.1.
Variant type: single nucleotide variant.
Coding change: c.315G>A on transcript NM_004655.4 (MANE Select); coding-DNA position 315, G replaced by A.
Protein change: p.Val105=; no amino-acid change (valine 105 retained).
Molecular consequence: synonymous variant.
Genome position (GRCh38, 1-based): chr17:65,558,306, C>T on the plus strand (G>A on the coding strand, the complement: AXIN2 is on the minus strand). VCF-style: chr17-65558306-C-T. GRCh37 (hg19) VCF-style: chr17-63554424-C-T.
Other names: c.315G>A, p.Val105= (NM_001363813.1).
Identifiers: ClinVar variation 3254334 (VCV003254334.2), dbSNP rs2044304241.
Genomic context (GRCh38, chr17:65,558,306, plus strand): 5'-GGTATCCTTCAGGTTCATCTGCCTGAATCCATTGCAGGCAAACCAGAAGTCTAAGGTATC[C>T]ACGCATTTCTCCCTCTCCAGGAAAGTTCGGAACAGGTAAGCACCGTCTTGATCGCCCAAT-3'
Protein context (NP_004646.3, residues 95-115): FRTFLEREKC[Val105=]DTLDFWFACN